The following is an entry in ClinVar:

ClinVar aggregate classification (germline): Uncertain significance. Review status: criteria provided, multiple submitters, no conflicts (2 of 4 stars). 3 submissions from 3 submitters: Uncertain significance (2). 1 of the submissions does not count toward it. Last evaluated 2022-05-08.

Conditions:
Primary ciliary dyskinesia. Also called: Ciliary dyskinesia. Identifiers: Orphanet 244, MedGen C0008780, MONDO:0016575, HP:0012265.
Kartagener syndrome (CILD1). Also called: CILIARY DYSKINESIA, PRIMARY, 1; SIEWERT SYNDROME; Dextrocardia bronchiectasis and sinusitis; CILIARY DYSKINESIA, PRIMARY, 1, WITH OR WITHOUT SITUS INVERSUS; IMMOTILE CILIA SYNDROME; POLYNESIAN BRONCHIECTASIS. Identifiers: Orphanet 244, MedGen C4551906, MONDO:0009484, OMIM 244400.

Allele frequency attached by ClinVar (database versions not stated): TOPMed 0.00001; gnomAD exomes 0.00003; ExAC 0.00004; gnomAD 0.00001.
gnomAD v4.1: 60 of 1,614,004 alleles (0.0037%); highest among the groups gnomAD compares: Admixed American, 0.015%; no homozygotes.

Submissions (3):

Labcorp Genetics (formerly Invitae), Labcorp
Classification: Uncertain significance for Primary ciliary dyskinesia. Last evaluated: 2022-05-08. Review status: criteria provided, single submitter. Criteria: Invitae Variant Classification Sherloc (09022015). Collection method: clinical testing. Allele origin: germline.
Comment: This sequence change replaces alanine, which is neutral and non-polar, with valine, which is neutral and non-polar, at codon 591 of the DNAI1 protein (p.Ala591Val). This variant is present in population databases (rs751197523, gnomAD 0.01%). This variant has not been reported in the literature in individuals affected with DNAI1-related conditions. ClinVar contains an entry for this variant (Variation ID: 915246). Advanced modeling of protein sequence and biophysical properties (such as structural, functional, and spatial information, amino acid conservation, physicochemical variation, residue mobility, and thermodynamic stability) performed at Invitae indicates that this missense variant is expected to disrupt DNAI1 protein function. In summary, the available evidence is currently insufficient to determine the role of this variant in disease. Therefore, it has been classified as a Variant of Uncertain Significance.

Illumina Laboratory Services, Illumina
Classification: Uncertain significance for Kartagener syndrome. Last evaluated: 2018-01-15. Review status: criteria provided, single submitter. Criteria: ICSL Variant Classification Criteria 13 December 2019. Collection method: clinical testing. Allele origin: germline.

Natera, Inc.
Classification: Uncertain significance for Primary ciliary dyskinesia. Last evaluated: 2020-03-20. Review status: no assertion criteria provided. Collection method: clinical testing. Allele origin: germline. Not counted in ClinVar's aggregate classification.

NM_012144.4(DNAI1):c.1772C>T (p.Ala591Val)

Gene: DNAI1 (dynein axonemal intermediate chain 1; plus strand). Cytogenetic location: 9p13.3.
Variant type: single nucleotide variant.
Coding change: c.1772C>T on transcript NM_012144.4 (MANE Select); coding-DNA position 1772, C replaced by T.
Protein change: p.Ala591Val; replaces alanine 591 with valine.
Molecular consequence: missense variant.
Genome position (GRCh38, 1-based): chr9:34,514,693, C>T. VCF-style: chr9-34514693-C-T. GRCh37 (hg19) VCF-style: chr9-34514691-C-T.
Other names: c.1784C>T, p.Ala595Val (NM_001281428.2); short protein forms A591V, A595V.
Identifiers: ClinVar variation 915246 (VCV000915246.11), dbSNP rs751197523, ClinGen allele CA5034535.